The following is an entry in ClinVar:

ClinVar aggregate classification (germline): Likely benign (0 of 4 stars; one submission).

Conditions:
TCF20-related disorder. Also called: TCF20-related condition.

gnomAD v4.1: 117 of 1,614,046 alleles (0.0072%); highest among the groups gnomAD compares: South Asian, 0.087%; 3 homozygotes.

Submission:

PreventionGenetics, part of Exact Sciences
Classification: Likely benign for TCF20-related condition. Last evaluated: 2024-05-01. Review status: no assertion criteria provided. Collection method: clinical testing. Allele origin: germline.
Comment: This variant is classified as likely benign based on ACMG/AMP sequence variant interpretation guidelines (Richards et al. 2015 PMID: 25741868, with internal and published modifications).

NM_001378418.1(TCF20):c.2281C>T (p.His761Tyr)

Gene: TCF20 (transcription factor 20; minus strand). Cytogenetic location: 22q13.2.
Variant type: single nucleotide variant.
Coding change: c.2281C>T on transcript NM_001378418.1 (MANE Select); coding-DNA position 2281, C replaced by T.
Protein change: p.His761Tyr; replaces histidine 761 with tyrosine.
Molecular consequence: missense variant.
Genome position (GRCh38, 1-based): chr22:42,213,025, G>A on the plus strand (C>T on the coding strand, the complement: TCF20 is on the minus strand). VCF-style: chr22-42213025-G-A. GRCh37 (hg19) VCF-style: chr22-42609031-G-A.
Other names: c.2281C>T, p.His761Tyr (NM_005650.4, NM_181492.3); short protein forms H761Y.
Identifiers: ClinVar variation 3355384 (VCV003355384.1).